The following is an entry in ClinVar:

ClinVar aggregate classification (germline): Uncertain significance (1 of 4 stars; one submission).

Conditions:
Muscular dystrophy, limb-girdle, autosomal recessive 27. Identifiers: MedGen C5562002, MONDO:0030456, OMIM 619566.

Submission:

SIB Swiss Institute of Bioinformatics
Classification: Uncertain significance for Muscular dystrophy, limb-girdle, autosomal recessive 27. Last evaluated: 2022-04-20. Review status: criteria provided, single submitter. Criteria: ACMG Guidelines, 2015. Collection method: curation. Allele origin: unknown.
Comment: This variant is interpreted as a variant of uncertain significance for Muscular dystrophy, limb-girdle, autosomal recessive 27. The following ACMG Tag(s) were applied: Absent from controls (or at extremely low frequency if recessive) in Exome Sequencing Project, 1000 Genomes Project, or Exome Aggregation Consortium (PM2); Cosegregation with disease in multiple affected family members in a gene definitively known to cause the disease (PP1); Multiple lines of computational evidence support a deleterious effect on the gene or gene product (PP3).

Literature cited by the submitters: PubMed 33861953.

NM_002226.5(JAG2):c.1073A>T (p.Asn358Ile)

Gene: JAG2 (jagged canonical Notch ligand 2; minus strand). Cytogenetic location: 14q32.33.
Variant type: single nucleotide variant.
Coding change: c.1073A>T on transcript NM_002226.5 (MANE Select); coding-DNA position 1073, A replaced by T.
Protein change: p.Asn358Ile; replaces asparagine 358 with isoleucine.
Molecular consequence: missense variant.
Genome position (GRCh38, 1-based): chr14:105,151,706, T>A on the plus strand (A>T on the coding strand, the complement: JAG2 is on the minus strand). VCF-style: chr14-105151706-T-A. GRCh37 (hg19) VCF-style: chr14-105618043-T-A.
Other names: c.1073A>T, p.Asn358Ile (NM_145159.3); short protein forms N358I.
Identifiers: ClinVar variation 1677288 (VCV001677288.1), dbSNP rs753456166, ClinGen allele CA391273513.